The following is an entry in ClinVar:

NM_001042724.2(NECTIN2):c.1043-3840_1043-3829dup

Gene: NECTIN2 (nectin cell adhesion molecule 2; plus strand). Cytogenetic location: 19q13.32.
Variant type: Duplication.
Coding change: c.1043-3840_1043-3829dup on transcript NM_001042724.2 (MANE Select); 3840 bases into the intron before coding-DNA position 1043 through 3829 bases into the intron before coding-DNA position 1043, 12 bases duplicated (AGGAGGAGGAGC).
Molecular consequence: intron variant.
Genome position (GRCh38, 1-based): chr19:44,878,371-44,878,382, AGGAGGAGGAGC duplicated; duplicating any 12 consecutive bases within chr19:44,878,363-44,878,382 gives the same sequence; the c. name uses the placement nearest the transcript's 3' end. VCF-style (leftmost placement, unchanged base first): chr19-44878362-T-TGGAGGAGCAGGA. GRCh37 (hg19) VCF-style: chr19-45381619-T-TGGAGGAGCAGGA.
Other names: c.1191_1202dup, p.Ala401_Ser402insGlyGlyGlyAla (NM_002856.3).
Identifiers: ClinVar variation 3056189 (VCV003056189.2), dbSNP rs780028480, ClinGen allele CA9505301.

ClinVar aggregate classification (germline): Likely benign (0 of 4 stars; one submission).

Conditions:
NECTIN2-related disorder. Also called: NECTIN2-related condition.

Submission:

PreventionGenetics, part of Exact Sciences
Classification: Likely benign for NECTIN2-related condition. Last evaluated: 2020-09-01. Review status: no assertion criteria provided. Collection method: clinical testing. Allele origin: germline.
Comment: This variant is classified as likely benign based on ACMG/AMP sequence variant interpretation guidelines (Richards et al. 2015 PMID: 25741868, with internal and published modifications).